The following is an entry in ClinVar:

ClinVar aggregate classification (germline): Uncertain significance (1 of 4 stars; one submission).

Submission:

Ambry Genetics
Classification: Uncertain significance. Last evaluated: 2022-04-04. Review status: criteria provided, single submitter. Criteria: Ambry Variant Classification Scheme 2023. Collection method: clinical testing. Allele origin: germline.
Comment: The p.K393N variant (also known as c.1179G>T), located in coding exon 12 of the PRKDC gene, results from a G to T substitution at nucleotide position 1179. The lysine at codon 393 is replaced by asparagine, an amino acid with similar properties. This amino acid position is conserved. In addition, this alteration is predicted to be tolerated by in silico analysis. Since supporting evidence is limited at this time, the clinical significance of this alteration remains unclear.

NM_006904.7(PRKDC):c.1179G>T (p.Lys393Asn)

Gene: PRKDC (protein kinase, DNA-activated, catalytic subunit; minus strand). Cytogenetic location: 8q11.21.
Variant type: single nucleotide variant.
Coding change: c.1179G>T on transcript NM_006904.7 (MANE Select); coding-DNA position 1179, G replaced by T.
Protein change: p.Lys393Asn; replaces lysine 393 with asparagine.
Molecular consequence: missense variant.
Genome position (GRCh38, 1-based): chr8:47,936,452, C>A on the plus strand (G>T on the coding strand, the complement: PRKDC is on the minus strand). VCF-style: chr8-47936452-C-A. GRCh37 (hg19) VCF-style: chr8-48849012-C-A.
Other names: c.1179G>T, p.Lys393Asn (NM_001081640.2); short protein forms K393N.
Identifiers: ClinVar variation 1741601 (VCV001741601.2), dbSNP rs2090353848, ClinGen allele CA371166254.